The following is an entry in ClinVar:

ClinVar aggregate classification (germline): Likely benign. Review status: criteria provided, multiple submitters, no conflicts (2 of 4 stars). 3 submissions from 3 submitters: Likely benign (2). 1 of the submissions does not count toward it. Last evaluated 2025-11-03.

Conditions:
IKZF1-related disorder. Also called: IKZF1-related condition.

Allele frequency attached by ClinVar (database versions not stated): ExAC 0.00001; TOPMed 0.00001; gnomAD 0.00003; gnomAD exomes 0.00003.
gnomAD v4.1: 49 of 1,613,822 alleles (0.003%); highest among the groups gnomAD compares: Non-Finnish European, 0.0039%; no homozygotes.

Submissions (3):

Labcorp Genetics (formerly Invitae), Labcorp
Classification: Likely benign. Last evaluated: 2025-11-03. Review status: criteria provided, single submitter. Criteria: Invitae Variant Classification Sherloc (09022015). Collection method: clinical testing. Allele origin: germline.

Blueprint Genetics
Classification: Likely benign. Last evaluated: 2020-10-30. Review status: criteria provided, single submitter. Criteria: ACMG Guidelines, 2015. Collection method: clinical testing. Allele origin: germline.

PreventionGenetics, part of Exact Sciences
Classification: Likely benign for IKZF1-related condition. Last evaluated: 2023-11-27. Review status: no assertion criteria provided. Collection method: clinical testing. Allele origin: germline. Not counted in ClinVar's aggregate classification.
Comment: This variant is classified as likely benign based on ACMG/AMP sequence variant interpretation guidelines (Richards et al. 2015 PMID: 25741868, with internal and published modifications).

NM_006060.6(IKZF1):c.1368G>A (p.Gly456=)

Gene: IKZF1 (IKAROS family zinc finger 1; plus strand). Cytogenetic location: 7p12.2.
Variant type: single nucleotide variant.
Coding change: c.1368G>A on transcript NM_006060.6 (MANE Select); coding-DNA position 1368, G replaced by A.
Protein change: p.Gly456=; no amino-acid change (glycine 456 retained).
Molecular consequence: synonymous variant.
Genome position (GRCh38, 1-based): chr7:50,400,435, G>A. VCF-style: chr7-50400435-G-A. GRCh37 (hg19) VCF-style: chr7-50468133-G-A.
Other names: c.1368G>A (NM_006060.5); c.1242G>A, p.Gly414= (NM_001220765.3, NM_001291837.2); c.1077G>A, p.Gly359= (NM_001220767.2); c.1107G>A, p.Gly369= (NM_001220768.2, NM_001291838.2); c.951G>A, p.Gly317= (NM_001220770.2); c.939G>A, p.Gly313= (NM_001220771.2, NM_001291841.1); c.981G>A, p.Gly327= (NM_001291839.2); c.678G>A, p.Gly226= (NM_001291840.1); and 4 more.
Identifiers: ClinVar variation 2879281 (VCV002879281.6), dbSNP rs745845648, ClinGen allele CA4261508.